The following is an entry in ClinVar:

NM_006892.4(DNMT3B):c.1309T>C (p.Ser437Pro)

Gene: DNMT3B (DNA methyltransferase 3 beta; plus strand). Cytogenetic location: 20q11.21.
Variant type: single nucleotide variant.
Coding change: c.1309T>C on transcript NM_006892.4 (MANE Select); coding-DNA position 1309, T replaced by C.
Protein change: p.Ser437Pro; replaces serine 437 with proline.
Molecular consequence: missense variant.
Genome position (GRCh38, 1-based): chr20:32,796,801, T>C. VCF-style: chr20-32796801-T-C. GRCh37 (hg19) VCF-style: chr20-31384607-T-C.
Other names: c.1123T>C, p.Ser375Pro (NM_001207055.2); c.1021T>C, p.Ser341Pro (NM_001207056.2); c.1249T>C, p.Ser417Pro (NM_175848.2, NM_175849.2); c.1285T>C, p.Ser429Pro (NM_175850.3); c.1309T>C (NM_006892.3); short protein forms S375P, S417P, S429P, S341P, S437P.
Identifiers: ClinVar variation 1424153 (VCV001424153.7), dbSNP rs563597562, ClinGen allele CA9810519.

ClinVar aggregate classification (germline): Conflicting classifications of pathogenicity. Review status: criteria provided, conflicting classifications (1 of 4 stars). 2 submissions from 2 submitters: Uncertain significance (1); Likely benign (1). Last evaluated 2025-08-02.

Conditions:
Centromeric instability of chromosomes 1,9 and 16 and immunodeficiency (ICF1). Also called: Immunodeficiency-centromeric instability-facial anomalies; CENTROMERIC INSTABILITY, IMMUNODEFICIENCY SYNDROME; IMMUNE DEFICIENCY, VARIABLE, WITH CENTROMERIC INSTABILITY OF CHROMOSOMES 1, 9, AND 16; IMMUNODEFICIENCY SYNDROME, VARIABLE. Identifiers: Orphanet 2268, MedGen C0398788, MONDO:0000133.
Inborn genetic diseases. Identifiers: MedGen C0950123, MeSH D030342.

Allele frequency attached by ClinVar (database versions not stated): TOPMed 0.00001; gnomAD 0.00003; ExAC 0.00007; gnomAD exomes 0.00007 and 0.00010; 1000 Genomes Project 30x 0.00016; 1000 Genomes Project 0.00020.
gnomAD v4.1: 104 of 1,614,188 alleles (0.0064%); highest among the groups gnomAD compares: South Asian, 0.099%; no homozygotes.

Submissions (2):

Ambry Genetics
Classification: Likely benign for Inborn genetic diseases. Last evaluated: 2025-08-02. Review status: criteria provided, single submitter. Criteria: Ambry Variant Classification Scheme 2023. Collection method: clinical testing. Allele origin: germline.

Labcorp Genetics (formerly Invitae), Labcorp
Classification: Uncertain significance for Centromeric instability of chromosomes 1,9 and 16 and immunodeficiency. Last evaluated: 2024-09-25. Review status: criteria provided, single submitter. Criteria: Invitae Variant Classification Sherloc (09022015). Collection method: clinical testing. Allele origin: germline.
Comment: This sequence change replaces serine, which is neutral and polar, with proline, which is neutral and non-polar, at codon 437 of the DNMT3B protein (p.Ser437Pro). This variant is present in population databases (rs563597562, gnomAD 0.07%). This variant has not been reported in the literature in individuals affected with DNMT3B-related conditions. ClinVar contains an entry for this variant (Variation ID: 1424153). An algorithm developed to predict the effect of missense changes on protein structure and function outputs the following: PolyPhen-2: "Benign". The proline amino acid residue is found in multiple mammalian species, which suggests that this missense change does not adversely affect protein function. In summary, the available evidence is currently insufficient to determine the role of this variant in disease. Therefore, it has been classified as a Variant of Uncertain Significance.